The following is an entry in ClinVar:

ClinVar aggregate classification (germline): Uncertain significance (0 of 4 stars; one submission).

Conditions:
DYRK1B-related disorder. Also called: DYRK1B-related condition.

gnomAD v4.1: 3 of 1,608,206 alleles (0.00019%); highest among the groups gnomAD compares: Non-Finnish European, 0.00017%; no homozygotes.

Submission:

PreventionGenetics, part of Exact Sciences
Classification: Uncertain significance for DYRK1B-related condition. Last evaluated: 2024-05-14. Review status: no assertion criteria provided. Collection method: clinical testing. Allele origin: germline.
Comment: The DYRK1B c.533G>A variant is predicted to result in the amino acid substitution p.Arg178Gln. To our knowledge, this variant has not been reported in the literature or in gnomAD, indicating this variant is rare. At this time, the clinical significance of this variant is uncertain due to the absence of conclusive functional and genetic evidence.

NM_004714.3(DYRK1B):c.533G>A (p.Arg178Gln)

Gene: DYRK1B (dual specificity tyrosine phosphorylation regulated kinase 1B; minus strand). Cytogenetic location: 19q13.2.
Variant type: single nucleotide variant.
Coding change: c.533G>A on transcript NM_004714.3 (MANE Select); coding-DNA position 533, G replaced by A.
Protein change: p.Arg178Gln; replaces arginine 178 with glutamine.
Molecular consequence: missense variant.
Genome position (GRCh38, 1-based): chr19:39,828,571, C>T on the plus strand (G>A on the coding strand, the complement: DYRK1B is on the minus strand). VCF-style: chr19-39828571-C-T. GRCh37 (hg19) VCF-style: chr19-40319211-C-T.
Other names: c.533G>A, p.Arg178Gln (NM_006483.3, NM_006484.3); short protein forms R178Q.
Identifiers: ClinVar variation 3345805 (VCV003345805.1).